The following is an entry in ClinVar:

ClinVar aggregate classification (germline): Uncertain significance (1 of 4 stars; one submission).

Allele frequency attached by ClinVar (database versions not stated): gnomAD exomes below 0.00001; gnomAD 0.00001.

Submission:

Labcorp Genetics (formerly Invitae), Labcorp
Classification: Uncertain significance. Last evaluated: 2023-03-04. Review status: criteria provided, single submitter. Criteria: Invitae Variant Classification Sherloc (09022015). Collection method: clinical testing. Allele origin: germline.
Comment: This sequence change falls in intron 14 of the IL12RB2 gene. It does not directly change the encoded amino acid sequence of the IL12RB2 protein. It affects a nucleotide within the consensus splice site. This variant is present in population databases (no rsID available, gnomAD 0.01%). In summary, the available evidence is currently insufficient to determine the role of this variant in disease. Therefore, it has been classified as a Variant of Uncertain Significance. Variants that disrupt the consensus splice site are a relatively common cause of aberrant splicing (PMID: 17576681, 9536098). Algorithms developed to predict the effect of sequence changes on RNA splicing suggest that this variant may disrupt the consensus splice site. This variant has not been reported in the literature in individuals affected with IL12RB2-related conditions.

Literature cited by the submitters: PubMed 17576681; PubMed 9536098.

NM_001374259.2(IL12RB2):c.1946+4del

Gene: IL12RB2 (interleukin 12 receptor subunit beta 2; plus strand). Cytogenetic location: 1p31.3.
Variant type: Deletion.
Coding change: c.1946+4del on transcript NM_001374259.2 (MANE Select); 4 bases into the intron after coding-DNA position 1946, one base deleted (A; older notation c.1946+4delA).
Molecular consequence: intron variant.
Genome position (GRCh38, 1-based): chr1:67,386,673, A deleted. VCF-style (leftmost placement, unchanged base first): chr1-67386672-GA-G. GRCh37 (hg19) VCF-style: chr1-67852355-GA-G.
Other names: c.1946+4del (NM_001258214.1, NM_001319233.1, NM_001559.3); c.1855+6550del (NM_001258216.1); c.1688+4del (NM_001258215.1).
Identifiers: ClinVar variation 2723447 (VCV002723447.3), dbSNP rs1557475922, ClinGen allele CA523293986.
Genomic context (GRCh38, chr1:67,386,672, plus strand): 5'-GCATTTGCATTGCTATCATCATGGTGGGCATTTTCTCAACGCATTACTTCCAGCAAAAGT[GA>G]GTTGGTTACACCTACCAAGTGGGTAAATGAGGCTTTTAAAAAATGATAATAGCTGTTGCT-3'